The following is an entry in ClinVar:

NM_000428.3(LTBP2):c.3262G>A (p.Gly1088Ser)

Gene: LTBP2 (latent transforming growth factor beta binding protein 2; minus strand). Cytogenetic location: 14q24.3.
Variant type: single nucleotide variant.
Coding change: c.3262G>A on transcript NM_000428.3 (MANE Select); coding-DNA position 3262, G replaced by A.
Protein change: p.Gly1088Ser; replaces glycine 1088 with serine.
Molecular consequence: missense variant.
Genome position (GRCh38, 1-based): chr14:74,509,749, C>T on the plus strand (G>A on the coding strand, the complement: LTBP2 is on the minus strand). VCF-style: chr14-74509749-C-T. GRCh37 (hg19) VCF-style: chr14-74976452-C-T.
Other names: short protein forms G1088S.
Identifiers: ClinVar variation 314284 (VCV000314284.15), dbSNP rs61505039, ClinGen allele CA7269243.

ClinVar aggregate classification (germline): Benign. Review status: criteria provided, multiple submitters, no conflicts (2 of 4 stars). 7 submissions from 6 submitters: Benign (5). 2 of the submissions do not count toward it. Last evaluated 2026-02-04.

Conditions:
Weill-Marchesani syndrome. Also called: WM Syndrome; Mesodermal dysmorphodystrophy congenital. Identifiers: Orphanet 3449, MedGen C0265313, MONDO:0018096.
Glaucoma 3, primary congenital, D. Identifiers: Orphanet 98976, MedGen C2751316, MONDO:0013122, OMIM 613086.

Allele frequency attached by ClinVar (database versions not stated): ESP Exome Variant Server 0.00323; gnomAD 0.01509; gnomAD exomes 0.03149; ExAC 0.03352; 1000 Genomes Project 30x 0.05543; 1000 Genomes Project 0.06030.
gnomAD v4.1: 23,868 of 1,614,096 alleles (1.5%); highest among the groups gnomAD compares: East Asian, 16%; 1,352 homozygotes.

Submissions (7):

Labcorp Genetics (formerly Invitae), Labcorp
Classification: Benign. Last evaluated: 2026-02-04. Review status: criteria provided, single submitter. Criteria: Invitae Variant Classification Sherloc (09022015). Collection method: clinical testing. Allele origin: germline.

GeneDx
Classification: Benign. Last evaluated: 2018-07-31. Review status: criteria provided, single submitter. Criteria: GeneDx Variant Classification (06012015). Collection method: clinical testing. Allele origin: germline. Affected: yes.

Illumina Laboratory Services, Illumina
Classification: Benign for Glaucoma 3, primary congenital, D. Last evaluated: 2018-01-13. Review status: criteria provided, single submitter. Criteria: ICSL Variant Classification Criteria 13 December 2019. Collection method: clinical testing. Allele origin: germline.
Comment: This variant was observed in the ICSL laboratory as part of a predisposition screen in an ostensibly healthy population. It had not been previously curated by ICSL or reported in the Human Gene Mutation Database (HGMD: prior to June 1st, 2018), and was therefore a candidate for classification through an automated scoring system. Utilizing variant allele frequency, disease prevalence and penetrance estimates, and inheritance mode, an automated score was calculated to assess if this variant is too frequent to cause the disease. Based on the score and internal cut-off values, a variant classified as benign is not then subjected to further curation. The score for this variant resulted in a classification of benign for this disease.

Illumina Laboratory Services, Illumina
Classification: Benign for Weill-Marchesani syndrome. Last evaluated: 2018-01-13. Review status: criteria provided, single submitter. Criteria: ICSL Variant Classification Criteria 13 December 2019. Collection method: clinical testing. Allele origin: germline.
Comment: the same text as in the submission from Illumina Laboratory Services, Illumina above.

Breakthrough Genomics
Classification: Benign. Review status: criteria provided, single submitter. Criteria: ACMG Guidelines, 2015. Collection method: not provided. Allele origin: germline. Inheritance: Autosomal recessive inheritance. Affected: yes.

Genome Diagnostics Laboratory, Amsterdam University Medical Center
Classification: Benign. Review status: no assertion criteria provided. Collection method: clinical testing. Allele origin: germline. Affected: yes. Study: VKGL Data-share Consensus. Not counted in ClinVar's aggregate classification.

Laboratory of Diagnostic Genome Analysis, Leiden University Medical Center (LUMC)
Classification: Likely benign. Review status: no assertion criteria provided. Collection method: clinical testing. Allele origin: germline. Affected: yes. Study: VKGL Data-share Consensus. Not counted in ClinVar's aggregate classification.